The following is an entry in ClinVar:

ClinVar aggregate classification (germline): Uncertain significance (1 of 4 stars; one submission).

Allele frequency attached by ClinVar (database versions not stated): gnomAD exomes below 0.00001.
gnomAD v4.1: 3 of 1,611,612 alleles (0.00019%); highest among the groups gnomAD compares: Non-Finnish European, 0.00025%; no homozygotes.

Submission:

Labcorp Genetics (formerly Invitae), Labcorp
Classification: Uncertain significance. Last evaluated: 2021-12-10. Review status: criteria provided, single submitter. Criteria: Invitae Variant Classification Sherloc (09022015). Collection method: clinical testing. Allele origin: germline.
Comment: In summary, the available evidence is currently insufficient to determine the role of this variant in disease. Therefore, it has been classified as a Variant of Uncertain Significance. Algorithms developed to predict the effect of missense changes on protein structure and function (SIFT, PolyPhen-2, Align-GVGD) all suggest that this variant is likely to be tolerated. This variant has not been reported in the literature in individuals affected with SUCO-related conditions. This variant is present in population databases (no rsID available, gnomAD 0.0009%). This sequence change replaces asparagine, which is neutral and polar, with serine, which is neutral and polar, at codon 988 of the SUCO protein (p.Asn988Ser).

NM_014283.5(SUCO):c.2963A>G (p.Asn988Ser)

Gene: SUCO (SUN domain containing ossification factor; plus strand). Cytogenetic location: 1q24.3.
Variant type: single nucleotide variant.
Coding change: c.2963A>G on transcript NM_014283.5 (MANE Select); coding-DNA position 2963, A replaced by G.
Protein change: p.Asn988Ser; replaces asparagine 988 with serine.
Molecular consequence: missense variant.
Genome position (GRCh38, 1-based): chr1:172,600,113, A>G. VCF-style: chr1-172600113-A-G. GRCh37 (hg19) VCF-style: chr1-172569253-A-G.
Other names: c.1850A>G, p.Asn617Ser (NM_001282750.2); c.1274A>G, p.Asn425Ser (NM_001282751.2); c.3416A>G, p.Asn1139Ser (NM_016227.4); short protein forms N1139S, N425S, N617S, N988S.
Identifiers: ClinVar variation 1948875 (VCV001948875.5), dbSNP rs1424071110, ClinGen allele CA343747184.